The following is an entry in ClinVar:

NM_004168.4(SDHA):c.1648A>C (p.Lys550Gln)

Gene: SDHA (succinate dehydrogenase complex flavoprotein subunit A; plus strand). Cytogenetic location: 5p15.33.
Variant type: single nucleotide variant.
Coding change: c.1648A>C on transcript NM_004168.4 (MANE Select); coding-DNA position 1648, A replaced by C.
Protein change: p.Lys550Gln; replaces lysine 550 with glutamine.
Molecular consequence: missense variant. On other transcripts: intron variant (1).
Genome position (GRCh38, 1-based): chr5:251,088, A>C. VCF-style: chr5-251088-A-C. GRCh37 (hg19) VCF-style: chr5-251203-A-C.
Other names: c.1504A>C, p.Lys502Gln (NM_001294332.2); c.1552-3305A>C (NM_001330758.2); short protein forms K550Q, K502Q.
Identifiers: ClinVar variation 575333 (VCV000575333.9), dbSNP rs1400219619, ClinGen allele CA358998877.

ClinVar aggregate classification (germline): Uncertain significance (1 of 4 stars; one submission).

Conditions:
Mitochondrial complex II deficiency, nuclear type 1. Also called: SUCCINATE CoQ REDUCTASE DEFICIENCY. Identifiers: Orphanet 3208, MedGen C5700310, MONDO:0100294, OMIM 252011.
Pheochromocytoma/paraganglioma syndrome 5. Also called: Paragangliomas 5; SDHA-Related Hereditary Paraganglioma-Pheochromocytoma Syndrome. Identifiers: Orphanet 29072, MedGen C3279992, MONDO:0013602, OMIM 614165.

Submission:

Labcorp Genetics (formerly Invitae), Labcorp
Classification: Uncertain significance for Pheochromocytoma/paraganglioma syndrome 5; Mitochondrial complex II deficiency, nuclear type 1. Last evaluated: 2018-04-03. Review status: criteria provided, single submitter. Criteria: Invitae Variant Classification Sherloc (09022015). Collection method: clinical testing. Allele origin: germline.
Comment: This variant has not been reported in the literature in individuals with SDHA-related disease. In summary, the available evidence is currently insufficient to determine the role of this variant in disease. Therefore, it has been classified as a Variant of Uncertain Significance. Algorithms developed to predict the effect of missense changes on protein structure and function do not agree on the potential impact of this missense change (SIFT: "Deleterious"; PolyPhen-2: "Benign"; Align-GVGD: "Class C45"). This variant is not present in population databases (ExAC no frequency). This sequence change replaces lysine with glutamine at codon 550 of the SDHA protein (p.Lys550Gln). The lysine residue is highly conserved and there is a small physicochemical difference between lysine and glutamine.